The following is an entry in ClinVar:

ClinVar aggregate classification (germline): Benign/Likely benign. Review status: criteria provided, multiple submitters, no conflicts (2 of 4 stars). 23 submissions from 23 submitters: Benign (12); Likely benign (9). 2 of the submissions do not count toward it. Last evaluated 2026-09-01.

Conditions:
Tuberous sclerosis 2 (TSC2). Identifiers: Orphanet 805, MedGen C1860707, MONDO:0013199, OMIM 613254.
Lymphangiomyomatosis (LAM). Also called: Lymphangioleiomyomatosis; Lymphangioleiomyomatosis, somatic. Identifiers: Orphanet 538, MedGen C0751674, MONDO:0011705, OMIM 606690.
Isolated focal cortical dysplasia type II (FCORD2). Also called: Focal cortical dysplasia type II; CORTICAL DYSPLASIA OF TAYLOR. Identifiers: Orphanet 268994, MedGen C1846385, MONDO:0011818, OMIM 607341, HP:0032051.
Hereditary cancer-predisposing syndrome. Also called: Neoplastic Syndromes, Hereditary; Tumor predisposition; Hereditary Cancer Syndrome; Hereditary neoplastic syndrome. Identifiers: Orphanet 140162, MedGen C0027672, MeSH D009386, MONDO:0015356.
Tuberous sclerosis syndrome (TSC). Also called: Tuberous Sclerosis Complex; Tuberous sclerosis. Identifiers: Orphanet 805, MedGen C0041341, MONDO:0001734.

Allele frequency attached by ClinVar (database versions not stated): 1000 Genomes Project 0.00060; 1000 Genomes Project 30x 0.00062; TOPMed 0.00076; gnomAD 0.00094 and 0.00101; gnomAD exomes 0.00100 and 0.00130; ESP Exome Variant Server 0.00147; ExAC 0.00194.
gnomAD v4.1: 2,003 of 1,592,736 alleles (0.13%); highest among the groups gnomAD compares: Non-Finnish European, 0.15%; 1 homozygote.

Submissions (25):

CeGaT Center for Human Genetics Tuebingen
Classification: Benign. Last evaluated: 2026-09-01. Review status: criteria provided, single submitter. Criteria: CeGaT Center For Human Genetics Tuebingen Variant Classification Criteria Version 2. Collection method: clinical testing. Allele origin: germline. Affected: yes. Observed: 26 variant alleles.
Comment: TSC2: BP4, BS1, BS2

Labcorp Genetics (formerly Invitae), Labcorp
Classification: Benign for Tuberous sclerosis 2. Last evaluated: 2026-02-04. Review status: criteria provided, single submitter. Criteria: Invitae Variant Classification Sherloc (09022015). Collection method: clinical testing. Allele origin: germline.

Myriad Genetics, Inc.
Classification: Benign for Tuberous sclerosis 2. Last evaluated: 2025-05-02. Review status: criteria provided, single submitter. Criteria: Myriad Autosomal Dominant, Autosomal Recessive and X-Linked Classification Criteria (2023). Collection method: clinical testing. Allele origin: unknown.
Comment: This variant is considered benign. This variant has been observed at a population frequency that is significantly greater than expected given the associated disease prevalence and penetrance. Homozygosity has been confirmed in one or more individuals. As homozygosity for pathogenic variants in this gene is generally assumed to result in embryonic lethality, this variant is unlikely to be pathogenic.

Blueprint Genetics
Classification: Likely benign. Last evaluated: 2024-11-08. Review status: criteria provided, single submitter. Criteria: ACMG Guidelines, 2015. Collection method: clinical testing. Allele origin: germline.

ARUP Laboratories, Molecular Genetics and Genomics, ARUP Laboratories
Classification: Likely benign. Last evaluated: 2023-11-07. Review status: criteria provided, single submitter. Criteria: ARUP Molecular Germline Variant Investigation Process 2024. Collection method: clinical testing. Allele origin: germline.

KCCC/NGS Laboratory, Kuwait Cancer Control Center
Classification: Benign for Tuberous sclerosis 2. Last evaluated: 2023-07-07. Review status: criteria provided, single submitter. Criteria: ACMG Guidelines, 2015. Collection method: clinical testing. Allele origin: germline. Affected: yes.

Department of Pathology and Laboratory Medicine, Sinai Health System
Classification: Likely benign for Tuberous sclerosis 2. Last evaluated: 2023-01-26. Review status: criteria provided, single submitter. Criteria: ACMG Guidelines, 2015. Collection method: clinical testing. Allele origin: germline. Affected: yes.

Color Diagnostics, LLC DBA Color Health
Classification: Benign for Tuberous sclerosis syndrome. Last evaluated: 2022-08-10. Review status: criteria provided, single submitter. Criteria: ACMG Guidelines, 2015. Collection method: clinical testing. Allele origin: germline.

Fulgent Genetics
Classification: Likely benign for Lymphangiomyomatosis; Isolated focal cortical dysplasia type II; Tuberous sclerosis 2. Last evaluated: 2022-04-09. Review status: criteria provided, single submitter. Criteria: ACMG Guidelines, 2015. Collection method: clinical testing. Allele origin: unknown.

Genome-Nilou Lab
Classification: Benign for Tuberous sclerosis 2. Last evaluated: 2021-11-07. Review status: criteria provided, single submitter. Criteria: ACMG Guidelines, 2015. Collection method: clinical testing. Allele origin: germline. Affected: no.

Sema4
Classification: Benign for Hereditary cancer-predisposing syndrome. Last evaluated: 2020-09-21. Review status: criteria provided, single submitter. Criteria: Sema4 Curation Guidelines. Collection method: curation. Allele origin: germline.

Laboratory for Molecular Medicine, Mass General Brigham Personalized Medicine
Classification: Likely benign. Last evaluated: 2020-07-01. Review status: criteria provided, single submitter. Criteria: LMM Criteria. Collection method: clinical testing. Allele origin: germline. Observed: 1 variant allele.
Comment: The c.275A>T variant in TSC2 has been reported in individuals with Tuberous Sclerosis Complex (Dunlop 2011 PMID: 21407264, Bullich 2018 PMID: 29801666); however, it has also been identified in 0.17% (189/109664) of Finnish chromosomes by gnomAD. This variant has also been reported in ClinVar (Variation ID 50116). Computational prediction tools and conservation analyses do not provide strong support for or against an impact to the protein. This variant is classified as Likely Benign due to its frequency in the general population. ACMG/AMP Criteria applied: BS1, BP4.

Women's Health and Genetics/Laboratory Corporation of America, LabCorp
Classification: Likely benign. Last evaluated: 2020-01-27. Review status: criteria provided, single submitter. Criteria: LabCorp Variant Classification Summary - May 2015. Collection method: clinical testing. Allele origin: germline.
Comment: Variant summary: TSC2 c.275A>T (p.Glu92Val) results in a non-conservative amino acid change located in the N-terminal domain of the encoded protein sequence. Three of five in-silico tools predict a damaging effect of the variant on protein function. The variant allele was found at a frequency of 0.001 in 213250 control chromosomes (gnomAD). The observed variant frequency is approximately 14.6- fold the estimated maximal expected allele frequency for a pathogenic variant in TSC2 causing Tuberous Sclerosis Complex phenotype (6.9e-05), strongly suggesting that the variant is benign. c.275A>T has been reported in the literature in individuals affected with Tuberous Sclerosis Complex (examples-Dunlop_2011, Bullich_2018) and in at least one unaffected family member (Dunlop_2011). These data do not allow any conclusion about variant significance. At least one publication reports experimental evidence evaluating an impact on protein function. These results showed no damaging effect of this variant (Dunlop_2011). Seven ClinVar submitters (evaluation after 2014) classified the variant as benign (n=2)/likely benign (n=5). Based on the evidence outlined above, the variant was classified as likely benign.

Mendelics
Classification: Likely benign for Tuberous sclerosis 2. Last evaluated: 2019-05-28. Review status: criteria provided, single submitter. Criteria: Mendelics Assertion Criteria 2017. Collection method: clinical testing. Allele origin: unknown.

GeneDx
Classification: Benign. Last evaluated: 2019-03-19. Review status: criteria provided, single submitter. Criteria: GeneDx Variant Classification Process June 2021. Collection method: clinical testing. Allele origin: germline. Affected: yes.
Comment: This variant is associated with the following publications: (PMID: 21407264, 23514105, 22558107, 21624971, 24728327, 28873162, 29801666)

Quest Diagnostics Nichols Institute San Juan Capistrano
Classification: Benign. Last evaluated: 2019-03-14. Review status: criteria provided, single submitter. Criteria: Quest Diagnostics criteria. Collection method: clinical testing. Allele origin: unknown.

Ambry Genetics
Classification: Benign for Hereditary cancer-predisposing syndrome. Last evaluated: 2018-12-18. Review status: criteria provided, single submitter. Criteria: Ambry Variant Classification Scheme 2023. Collection method: clinical testing. Allele origin: germline.

Illumina Laboratory Services, Illumina
Classification: Benign for Tuberous sclerosis syndrome. Last evaluated: 2018-01-13. Review status: criteria provided, single submitter. Criteria: ICSL Variant Classification Criteria 13 December 2019. Collection method: clinical testing. Allele origin: germline.
Comment: This variant was observed in the ICSL laboratory as part of a predisposition screen in an ostensibly healthy population. It had not been previously curated by ICSL or reported in the Human Gene Mutation Database (HGMD: prior to June 1st, 2018), and was therefore a candidate for classification through an automated scoring system. Utilizing variant allele frequency, disease prevalence and penetrance estimates, and inheritance mode, an automated score was calculated to assess if this variant is too frequent to cause the disease. Based on the score and internal cut-off values, a variant classified as benign is not then subjected to further curation. The score for this variant resulted in a classification of benign for this disease.

Eurofins Ntd Llc (ga)
Classification: Benign. Last evaluated: 2016-12-27. Review status: criteria provided, single submitter. Criteria: EGL Classification Definitions 2015. Collection method: clinical testing. Allele origin: germline. Observed: 1 variant allele.

Breakthrough Genomics
Classification: Likely benign. Review status: criteria provided, single submitter. Criteria: ACMG Guidelines, 2015. Collection method: not provided. Allele origin: germline. Inheritance: Autosomal dominant inheritance. Affected: yes.

PreventionGenetics, part of Exact Sciences
Classification: Likely benign. Review status: criteria provided, single submitter. Criteria: ACMG Guidelines, 2015. Collection method: clinical testing. Allele origin: germline.

ITMI
No classification provided. Condition: AllHighlyPenetrant. Last evaluated: 2013-09-19. Review status: no classification provided. Collection method: reference population. Allele origin: germline. Not counted in ClinVar's aggregate classification.
Comment: Please see associated publication for description of ethnicities

Dr. Peter K. Rogan Lab, Western University
No classification provided (evidence only). Condition: Thyroid cancer, nonmedullary, 1. Review status: no classification provided. Collection method: in vitro. Allele origin: not applicable. Functional consequence: retained intron. Not counted in ClinVar's aggregate classification.

Dr. Peter K. Rogan Lab, Western University
No classification provided (evidence only). Condition: Thymoma. Review status: no classification provided. Collection method: in vitro. Allele origin: not applicable. Functional consequence: skipped exon. Not counted in ClinVar's aggregate classification.

Tuberous sclerosis database (TSC2)
No classification provided. Condition: TSC. Review status: no classification provided. Criteria: Tuberous Sclerosis Database Assertion Criteria 2015. Collection method: curation. Allele origin: germline. Affected: yes. Not counted in ClinVar's aggregate classification.

Literature cited by the submitters: PubMed 29801666 (cited by Women's Health and Genetics/Laboratory Corporation of America, LabCorp and Quest Diagnostics Nichols Institute San Juan Capistrano); PubMed 21407264 (cited by Women's Health and Genetics/Laboratory Corporation of America, LabCorp and Quest Diagnostics Nichols Institute San Juan Capistrano); PubMed 23514105 (cited by Quest Diagnostics Nichols Institute San Juan Capistrano); PubMed 22343534 (cited by Quest Diagnostics Nichols Institute San Juan Capistrano); PubMed 15798777 (cited by Quest Diagnostics Nichols Institute San Juan Capistrano); PubMed 24728327 (cited by Quest Diagnostics Nichols Institute San Juan Capistrano and ITMI); PubMed 22558107 (cited by Quest Diagnostics Nichols Institute San Juan Capistrano); PubMed 21624971 (cited by Quest Diagnostics Nichols Institute San Juan Capistrano).

NM_000548.5(TSC2):c.275A>T (p.Glu92Val)

Gene: TSC2 (TSC complex subunit 2; plus strand). Cytogenetic location: 16p13.3.
Variant type: single nucleotide variant.
Coding change: c.275A>T on transcript NM_000548.5 (MANE Select); coding-DNA position 275, A replaced by T.
Protein change: p.Glu92Val; replaces glutamic acid 92 with valine.
Molecular consequence: missense variant. On other transcripts: intron variant (2).
Genome position (GRCh38, 1-based): chr16:2,053,391, A>T. VCF-style: chr16-2053391-A-T. GRCh37 (hg19) VCF-style: chr16-2103392-A-T.
Other names: p.E92V:GAG>GTG; c.275A>T, p.Glu92Val (NM_001077183.3, NM_001114382.3, NM_001363528.2 and 3 more transcripts); c.128A>T, p.Glu43Val (NM_001318829.2); c.308A>T, p.Glu103Val (NM_001318832.2); c.226-905A>T (NM_001318827.2); c.-1-2805A>T (NM_001318831.2); short protein forms E92V, E103V, E43V.
Identifiers: ClinVar variation 50116 (VCV000050116.104), dbSNP rs137853994, ClinGen allele CA018098.